The following is an entry in ClinVar:

NM_025114.4(CEP290):c.6895C>T (p.Leu2299Phe)

Gene: CEP290 (centrosomal protein 290; minus strand). Cytogenetic location: 12q21.32.
Variant type: single nucleotide variant.
Coding change: c.6895C>T on transcript NM_025114.4 (MANE Select); coding-DNA position 6895, C replaced by T.
Protein change: p.Leu2299Phe; replaces leucine 2299 with phenylalanine.
Molecular consequence: missense variant.
Genome position (GRCh38, 1-based): chr12:88,055,641, G>A on the plus strand (C>T on the coding strand, the complement: CEP290 is on the minus strand). VCF-style: chr12-88055641-G-A. GRCh37 (hg19) VCF-style: chr12-88449418-G-A.
Other names: short protein forms L2299F.
Identifiers: ClinVar variation 2006065 (VCV002006065.2), dbSNP rs2499470732, ClinGen allele CA385976357.

ClinVar aggregate classification (germline): Uncertain significance (1 of 4 stars; one submission).

Conditions:
Joubert syndrome. Also called: CEREBELLOPARENCHYMAL DISORDER IV; JOUBERT-BOLTSHAUSER SYNDROME; Familial aplasia of the vermis. Identifiers: Orphanet 475, MedGen C5979921, MONDO:0018772.
Meckel-Gruber syndrome. Also called: DYSENCEPHALIA SPLANCHNOCYSTICA; GRUBER SYNDROME; Dysencephalia splachnocystica. Identifiers: Orphanet 564, MedGen C0265215, MONDO:0018921.
Nephronophthisis. Also called: Juvenile Nephronophthisis. Identifiers: Orphanet 655, MedGen C0687120, MONDO:0019005, HP:0000090.

gnomAD v4.1: 1 of 1,570,840 alleles (0.000064%); no homozygotes.

Submission:

Labcorp Genetics (formerly Invitae), Labcorp
Classification: Uncertain significance for Joubert syndrome; Meckel-Gruber syndrome; Nephronophthisis. Last evaluated: 2022-06-14. Review status: criteria provided, single submitter. Criteria: Invitae Variant Classification Sherloc (09022015). Collection method: clinical testing. Allele origin: germline.
Comment: In summary, the available evidence is currently insufficient to determine the role of this variant in disease. Therefore, it has been classified as a Variant of Uncertain Significance. Algorithms developed to predict the effect of missense changes on protein structure and function are either unavailable or do not agree on the potential impact of this missense change (SIFT: "Deleterious"; PolyPhen-2: "Possibly Damaging"; Align-GVGD: "Class C0"). This variant has not been reported in the literature in individuals affected with CEP290-related conditions. This variant is not present in population databases (gnomAD no frequency). This sequence change replaces leucine, which is neutral and non-polar, with phenylalanine, which is neutral and non-polar, at codon 2299 of the CEP290 protein (p.Leu2299Phe).